The following is an entry in ClinVar:

ClinVar aggregate classification (germline): Likely pathogenic (1 of 4 stars; one submission).

Submission:

Labcorp Genetics (formerly Invitae), Labcorp
Classification: Likely pathogenic. Last evaluated: 2022-12-20. Review status: criteria provided, single submitter. Criteria: Invitae Variant Classification Sherloc (09022015). Collection method: clinical testing. Allele origin: germline.
Comment: This sequence change affects an acceptor splice site in intron 2 of the XPC gene. It is expected to disrupt RNA splicing. Variants that disrupt the donor or acceptor splice site typically lead to a loss of protein function (PMID: 16199547), and loss-of-function variants in XPC are known to be pathogenic (PMID: 23173980, 25256075). This variant is not present in population databases (gnomAD no frequency). This variant has not been reported in the literature in individuals affected with XPC-related conditions. Algorithms developed to predict the effect of sequence changes on RNA splicing suggest that this variant may disrupt the consensus splice site. In summary, the currently available evidence indicates that the variant is pathogenic, but additional data are needed to prove that conclusively. Therefore, this variant has been classified as Likely Pathogenic.

Literature cited by the submitters: PubMed 16199547; PubMed 23173980; PubMed 25256075.

NM_004628.5(XPC):c.300-2A>C

Gene: XPC (XPC complex subunit, DNA damage recognition and repair factor; minus strand). Cytogenetic location: 3p25.1.
Variant type: single nucleotide variant.
Coding change: c.300-2A>C on transcript NM_004628.5 (MANE Select); the canonical splice acceptor site of the intron before coding-DNA position 300, A replaced by C.
Molecular consequence: splice acceptor variant.
Genome position (GRCh38, 1-based): chr3:14,170,552, T>G on the plus strand (A>C on the coding strand, the complement: XPC is on the minus strand). VCF-style: chr3-14170552-T-G. GRCh37 (hg19) VCF-style: chr3-14212052-T-G.
Other names: c.282-2A>C (NM_001354729.2); c.-156-2A>C (NM_001354726.2); c.300-2A>C (NM_001354730.2, NM_001354727.2).
Identifiers: ClinVar variation 2822311 (VCV002822311.3), dbSNP rs2470296169, ClinGen allele CA351542981.